The following is an entry in ClinVar:

NM_001127222.2(CACNA1A):c.4389-2A>C

Gene: CACNA1A (calcium voltage-gated channel subunit alpha1 A; minus strand). Cytogenetic location: 19p13.13.
Variant type: single nucleotide variant.
Coding change: c.4389-2A>C on transcript NM_001127222.2 (MANE Select); the canonical splice acceptor site of the intron before coding-DNA position 4389, A replaced by C.
Molecular consequence: splice acceptor variant.
Genome position (GRCh38, 1-based): chr19:13,257,553, T>G on the plus strand (A>C on the coding strand, the complement: CACNA1A is on the minus strand). VCF-style: chr19-13257553-T-G. GRCh37 (hg19) VCF-style: chr19-13368367-T-G.
Other names: c.4392-2A>C (NM_001127221.2, NM_001174080.2); c.4401-2A>C (NM_000068.4, NM_023035.3).
Identifiers: ClinVar variation 2951299 (VCV002951299.3), dbSNP rs2512741435, ClinGen allele CA404339187.

ClinVar aggregate classification (germline): Pathogenic (1 of 4 stars; one submission).

Conditions:
Episodic ataxia type 2 (EA2). Also called: CEREBELLAR ATAXIA, PAROXYSMAL, ACETAZOLAMIDE-RESPONSIVE; CEREBELLOPATHY, HEREDITARY PAROXYSMAL; EPISODIC ATAXIA, NYSTAGMUS-ASSOCIATED; ACETAZOLAMIDE-RESPONSIVE HEREDITARY PAROXYSMAL CEREBELLAR ATAXIA; ATAXIA, EPISODIC, WITH NYSTAGMUS; ATAXIA, FAMILIAL PAROXYSMAL. Identifiers: Orphanet 97, MedGen C1720416, MONDO:0007163, OMIM 108500.
Developmental and epileptic encephalopathy, 42 (DEE42A). Also called: Epileptic encephalopathy, early infantile, 42; DEVELOPMENTAL AND EPILEPTIC ENCEPHALOPATHY 42A; EPILEPTIC ENCEPHALOPATHY, EARLY INFANTILE, 42A. Identifiers: MedGen C4310716, MONDO:0014917, OMIM 617106.

Submission:

Labcorp Genetics (formerly Invitae), Labcorp
Classification: Pathogenic for Developmental and epileptic encephalopathy, 42; Episodic ataxia type 2. Last evaluated: 2023-08-27. Review status: criteria provided, single submitter. Criteria: Invitae Variant Classification Sherloc (09022015). Collection method: clinical testing. Allele origin: germline.
Comment: For these reasons, this variant has been classified as Pathogenic. Algorithms developed to predict the effect of sequence changes on RNA splicing suggest that this variant may disrupt the consensus splice site. Disruption of this splice site has been observed in individual(s) with episodic ataxia (PMID: 23344743, 27667184). It has also been observed to segregate with disease in related individuals. This variant is not present in population databases (gnomAD no frequency). This sequence change affects an acceptor splice site in intron 27 of the CACNA1A gene. It is expected to disrupt RNA splicing. Variants that disrupt the donor or acceptor splice site typically lead to a loss of protein function (PMID: 16199547), and loss-of-function variants in CACNA1A are known to be pathogenic (PMID: 10371528, 19486177, 25735478, 27250579).

Literature cited by the submitters: PubMed 23344743; PubMed 27667184; PubMed 16199547; PubMed 10371528; PubMed 19486177; PubMed 25735478; PubMed 27250579.